The following is an entry in ClinVar:

NM_006950.3(SYN1):c.774+3G>A

Gene: SYN1 (synapsin I; minus strand). Cytogenetic location: Xp11.23.
Variant type: single nucleotide variant.
Coding change: c.774+3G>A on transcript NM_006950.3 (MANE Select); 3 bases into the intron after coding-DNA position 774, G replaced by A.
Molecular consequence: intron variant.
Genome position (GRCh38, 1-based): chrX:47,604,975, C>T on the plus strand (G>A on the coding strand, the complement: SYN1 is on the minus strand). VCF-style: chrX-47604975-C-T. GRCh37 (hg19) VCF-style: chrX-47464374-C-T.
Other names: c.774+3G>A (NM_133499.2).
Identifiers: ClinVar variation 836369 (VCV000836369.8), dbSNP rs2057891910, ClinGen allele CA916083946.

ClinVar aggregate classification (germline): Uncertain significance (1 of 4 stars; one submission).

Conditions:
Epilepsy, X-linked 1, with variable learning disabilities and behavior disorders. Also called: X-linked epilepsy-learning disabilities-behavior disorders syndrome. Identifiers: Orphanet 85294, MedGen C5774177, MONDO:0010339, OMIM 300491.

Submission:

Labcorp Genetics (formerly Invitae), Labcorp
Classification: Uncertain significance for Epilepsy, X-linked 1, with variable learning disabilities and behavior disorders. Last evaluated: 2023-03-23. Review status: criteria provided, single submitter. Criteria: Invitae Variant Classification Sherloc (09022015). Collection method: clinical testing. Allele origin: germline.
Comment: In summary, the available evidence is currently insufficient to determine the role of this variant in disease. Therefore, it has been classified as a Variant of Uncertain Significance. Variants that disrupt the consensus splice site are a relatively common cause of aberrant splicing (PMID: 17576681, 9536098). Algorithms developed to predict the effect of sequence changes on RNA splicing suggest that this variant is not likely to affect RNA splicing. ClinVar contains an entry for this variant (Variation ID: 836369). This variant has not been reported in the literature in individuals affected with SYN1-related conditions. This variant is not present in population databases (gnomAD no frequency). This sequence change falls in intron 5 of the SYN1 gene. It does not directly change the encoded amino acid sequence of the SYN1 protein. It affects a nucleotide within the consensus splice site.

Literature cited by the submitters: PubMed 17576681; PubMed 9536098.